The following is an entry in ClinVar:

NM_001287.6(CLCN7):c.2200A>G (p.Thr734Ala)

Gene: CLCN7 (chloride voltage-gated channel 7; minus strand). Cytogenetic location: 16p13.3.
Variant type: single nucleotide variant.
Coding change: c.2200A>G on transcript NM_001287.6 (MANE Select); coding-DNA position 2200, A replaced by G.
Protein change: p.Thr734Ala; replaces threonine 734 with alanine.
Molecular consequence: missense variant.
Genome position (GRCh38, 1-based): chr16:1,447,442, T>C on the plus strand (A>G on the coding strand, the complement: CLCN7 is on the minus strand). VCF-style: chr16-1447442-T-C. GRCh37 (hg19) VCF-style: chr16-1497443-T-C.
Other names: c.2128A>G, p.Thr710Ala (NM_001114331.3); short protein forms T734A, T710A.
Identifiers: ClinVar variation 2720811 (VCV002720811.3), dbSNP rs949623816, ClinGen allele CA276668030.

ClinVar aggregate classification (germline): Uncertain significance (1 of 4 stars; one submission).

Allele frequency attached by ClinVar (database versions not stated): TOPMed below 0.00001.

Submission:

Labcorp Genetics (formerly Invitae), Labcorp
Classification: Uncertain significance. Last evaluated: 2022-11-15. Review status: criteria provided, single submitter. Criteria: Invitae Variant Classification Sherloc (09022015). Collection method: clinical testing. Allele origin: germline.
Comment: Advanced modeling of protein sequence and biophysical properties (such as structural, functional, and spatial information, amino acid conservation, physicochemical variation, residue mobility, and thermodynamic stability) performed at Invitae indicates that this missense variant is not expected to disrupt CLCN7 protein function. In summary, the available evidence is currently insufficient to determine the role of this variant in disease. Therefore, it has been classified as a Variant of Uncertain Significance. This variant is not present in population databases (gnomAD no frequency). This sequence change replaces threonine, which is neutral and polar, with alanine, which is neutral and non-polar, at codon 734 of the CLCN7 protein (p.Thr734Ala). This variant has not been reported in the literature in individuals affected with CLCN7-related conditions.